The following is an entry in ClinVar:

ClinVar aggregate classification (germline): Likely benign. Review status: reviewed by expert panel (3 of 4 stars). 3 submissions from 3 submitters: Likely benign (1). 2 of the submissions do not count toward it. Last evaluated 2025-01-09.

Conditions:
Autosomal recessive limb-girdle muscular dystrophy type 2E (LGMDR4). Also called: MUSCULAR DYSTROPHY, LIMB-GIRDLE, AUTOSOMAL RECESSIVE 4. Identifiers: Orphanet 119, MedGen C1858593, MONDO:0011423, OMIM 604286. Disease mechanism: Affects gamma-sarcoglycan and also disrupts the integrity of the entire sarcoglycan complex..
Autosomal recessive limb-girdle muscular dystrophy. Identifiers: Orphanet 102015, MedGen C2931907, MONDO:0015152.
Qualitative or quantitative defects of beta-sarcoglycan. Identifiers: Orphanet 207063, MedGen C2930900, MONDO:0016142.

Allele frequency attached by ClinVar (database versions not stated): gnomAD exomes 0.00002 and 0.00004; ExAC 0.00003; TOPMed 0.00003; gnomAD 0.00005.

Submissions (3):

ClinGen Limb Girdle Muscular Dystrophy Variant Curation Expert Panel, ClinGen
Classification: Likely benign for Autosomal recessive limb-girdle muscular dystrophy. Last evaluated: 2025-01-09. Review status: reviewed by expert panel. Criteria: ClinGen LGMD VCEP ACMG Specifications SGCB V1.0.0. Collection method: curation. Allele origin: germline. Inheritance: Autosomal recessive inheritance.
Comment: The NM_000232.5: c.519G>A p.(Pro173=) variant in SGCB is a synonymous (silent) variant that is not predicted to influence splicing by SpliceAI (score 0.03) (BP4, BP7). The filtering allele frequency of the variant is 0.0005025 for East Asian genome chromosomes in gnomAD v3.1.2 (the lower threshold of the 95% CI of 6/5192), which is lower than the VCEP threshold of 0.001 (BS1 not met; PM2_Supporting also not met). In summary, this variant meets the criteria to be classified as Likely Benign for autosomal recessive limb girdle muscular dystrophy based on the ACMG/AMP criteria applied, as specified by the ClinGen LGMD VCEP (LGMD VCEP specifications version 1.0.0; 01/09/2025): BP4, BP7.

Labcorp Genetics (formerly Invitae), Labcorp
Classification: Likely benign for Autosomal recessive limb-girdle muscular dystrophy type 2E. Last evaluated: 2026-01-08. Review status: criteria provided, single submitter. Criteria: Invitae Variant Classification Sherloc (09022015). Collection method: clinical testing. Allele origin: germline. Not counted in ClinVar's aggregate classification.

Illumina Laboratory Services, Illumina
Classification: Uncertain significance for Qualitative or quantitative defects of beta-sarcoglycan. Last evaluated: 2018-01-12. Review status: criteria provided, single submitter. Criteria: ICSL Variant Classification Criteria 13 December 2019. Collection method: clinical testing. Allele origin: germline. Not counted in ClinVar's aggregate classification.

NM_000232.5(SGCB):c.519G>A (p.Pro173=)

Gene: SGCB (sarcoglycan beta; minus strand). Cytogenetic location: 4q12.
Variant type: single nucleotide variant.
Coding change: c.519G>A on transcript NM_000232.5 (MANE Select); coding-DNA position 519, G replaced by A.
Protein change: p.Pro173=; no amino-acid change (proline 173 retained).
Molecular consequence: synonymous variant.
Genome position (GRCh38, 1-based): chr4:52,028,832, C>T on the plus strand (G>A on the coding strand, the complement: SGCB is on the minus strand). VCF-style: chr4-52028832-C-T. GRCh37 (hg19) VCF-style: chr4-52894998-C-T.
Other names: NM_000232.5(SGCB):c.519G>A; p.Pro173=.
Identifiers: ClinVar variation 746533 (VCV000746533.15), dbSNP rs755701680, ClinGen allele CA2918371.